The following is an entry in ClinVar:

ClinVar aggregate classification (germline): Likely benign (1 of 4 stars; one submission).

Conditions:
Joubert syndrome 14 (JBTS14). Identifiers: MedGen C3280766, MONDO:0013745, OMIM 614424.

Allele frequency attached by ClinVar (database versions not stated): gnomAD 0.00379; TOPMed 0.00445; 1000 Genomes Project 0.00499; 1000 Genomes Project 30x 0.00562.

Submission:

Illumina Laboratory Services, Illumina
Classification: Likely benign for Joubert syndrome 14. Last evaluated: 2018-01-12. Review status: criteria provided, single submitter. Criteria: ICSL Variant Classification Criteria 13 December 2019. Collection method: clinical testing. Allele origin: germline.
Comment: This variant was observed in the ICSL laboratory as part of a predisposition screen in an ostensibly healthy population. It had not been previously curated by ICSL or reported in the Human Gene Mutation Database (HGMD: prior to June 1st, 2018), and was therefore a candidate for classification through an automated scoring system. Utilizing variant allele frequency, disease prevalence and penetrance estimates, and inheritance mode, an automated score was calculated to assess if this variant is too frequent to cause the disease. Based on the score and internal cut-off values, a variant classified as likely benign is not then subjected to further curation. The score for this variant resulted in a classification of likely benign for this disease.

NM_001044385.3(TMEM237):c.*2431T>G

Gene: TMEM237 (transmembrane protein 237; minus strand). Cytogenetic location: 2q33.1.
Variant type: single nucleotide variant.
Coding change: c.*2431T>G on transcript NM_001044385.3 (MANE Select); 2431 bases downstream of the stop codon, T replaced by G.
Molecular consequence: 3 prime UTR variant.
Genome position (GRCh38, 1-based): chr2:201,621,824, A>C on the plus strand (T>G on the coding strand, the complement: TMEM237 is on the minus strand). VCF-style: chr2-201621824-A-C. GRCh37 (hg19) VCF-style: chr2-202486547-A-C.
Other names: c.*2431T>G (NM_152388.4).
Identifiers: ClinVar variation 333542 (VCV000333542.5), dbSNP rs142355657, ClinGen allele CA10613510.